The following is an entry in ClinVar:

ClinVar aggregate classification (germline): Likely pathogenic. Review status: criteria provided, single submitter (1 of 4 stars). 2 submissions from 2 submitters: Likely pathogenic (1). 1 of the submissions does not count toward it. Last evaluated 2023-03-14.

Conditions:
Glycogen storage disease due to phosphoglycerate kinase 1 deficiency. Also called: PGK1 DEFICIENCY; PHOSPHOGLYCERATE KINASE 1 DEFICIENCY WITH LEVO-DOPA-RESPONSIVE PARKINSONISM. Identifiers: Orphanet 713, MedGen C1970848, MONDO:0010392, OMIM 300653.

Submissions (2):

Labcorp Genetics (formerly Invitae), Labcorp
Classification: Likely pathogenic. Last evaluated: 2023-03-14. Review status: criteria provided, single submitter. Criteria: Invitae Variant Classification Sherloc (09022015). Collection method: clinical testing. Allele origin: germline.
Comment: This variant is not present in population databases (gnomAD no frequency). This sequence change falls in intron 7 of the PGK1 gene. It does not directly change the encoded amino acid sequence of the PGK1 protein. RNA analysis indicates that this variant induces altered splicing and may result in an absent or disrupted protein product. This variant has been observed in individual(s) with phosphoglycerate kinase 1 deficiency (PMID: 16567715). In summary, the currently available evidence indicates that the variant is pathogenic, but additional data are needed to prove that conclusively. Therefore, this variant has been classified as Likely Pathogenic. Variants that disrupt the consensus splice site are a relatively common cause of aberrant splicing (PMID: 17576681, 9536098). Studies have shown that this variant results in activation of a cryptic splice site and introduces a premature termination codon (PMID: 16567715). The resulting mRNA is expected to undergo nonsense-mediated decay. ClinVar contains an entry for this variant (Variation ID: 9955). This variant is also known as IVS7+5G>A.

OMIM
Classification: Pathogenic for PHOSPHOGLYCERATE KINASE 1 DEFICIENCY, FUKUROI. Last evaluated: 2006-03-28. Review status: no assertion criteria provided. Collection method: literature only. Allele origin: germline. Not counted in ClinVar's aggregate classification.

Literature cited by the submitters: PubMed 16567715 (cited by Labcorp Genetics (formerly Invitae), Labcorp and OMIM); PubMed 17576681 (cited by Labcorp Genetics (formerly Invitae), Labcorp); PubMed 9536098 (cited by Labcorp Genetics (formerly Invitae), Labcorp).

NM_000291.4(PGK1):c.756+5G>A

Gene: PGK1 (phosphoglycerate kinase 1; plus strand). Cytogenetic location: Xq21.1.
Variant type: single nucleotide variant.
Coding change: c.756+5G>A on transcript NM_000291.4 (MANE Select); 5 bases into the intron after coding-DNA position 756, G replaced by A.
Molecular consequence: intron variant.
Genome position (GRCh38, 1-based): chrX:78,122,954, G>A. VCF-style: chrX-78122954-G-A. GRCh37 (hg19) VCF-style: chrX-77378451-G-A.
Other names: PGK Fukuroi; IVS7DS, G-A, +5.
Identifiers: ClinVar variation 9955 (VCV000009955.5), dbSNP rs431905503, ClinGen allele CA120837.